The following is an entry in ClinVar:

ClinVar aggregate classification (germline): Uncertain significance (1 of 4 stars; one submission).

Allele frequency attached by ClinVar (database versions not stated): ExAC 0.00002; gnomAD 0.00003; TOPMed 0.00003; gnomAD exomes 0.00004; ESP Exome Variant Server 0.00008.

Submission:

Labcorp Genetics (formerly Invitae), Labcorp
Classification: Uncertain significance. Last evaluated: 2023-03-31. Review status: criteria provided, single submitter. Criteria: Invitae Variant Classification Sherloc (09022015). Collection method: clinical testing. Allele origin: germline.
Comment: In summary, the available evidence is currently insufficient to determine the role of this variant in disease. Therefore, it has been classified as a Variant of Uncertain Significance. Advanced modeling of protein sequence and biophysical properties (such as structural, functional, and spatial information, amino acid conservation, physicochemical variation, residue mobility, and thermodynamic stability) performed at Invitae indicates that this missense variant is not expected to disrupt ADD3 protein function. This variant is present in population databases (rs149613201, gnomAD 0.008%). This variant has not been reported in the literature in individuals affected with ADD3-related conditions. This sequence change replaces valine, which is neutral and non-polar, with isoleucine, which is neutral and non-polar, at codon 530 of the ADD3 protein (p.Val530Ile).

NM_016824.5(ADD3):c.1588G>A (p.Val530Ile)

Gene: ADD3 (adducin 3; plus strand). Cytogenetic location: 10q25.2.
Variant type: single nucleotide variant.
Coding change: c.1588G>A on transcript NM_016824.5 (MANE Select); coding-DNA position 1588, G replaced by A.
Protein change: p.Val530Ile; replaces valine 530 with isoleucine.
Molecular consequence: missense variant.
Genome position (GRCh38, 1-based): chr10:110,126,483, G>A. VCF-style: chr10-110126483-G-A. GRCh37 (hg19) VCF-style: chr10-111886241-G-A.
Other names: c.1588G>A, p.Val530Ile (NM_001320591.2, NM_001320592.2, NM_001320593.2 and 2 more transcripts); c.1354G>A, p.Val452Ile (NM_001320594.2); short protein forms V530I, V452I.
Identifiers: ClinVar variation 2712957 (VCV002712957.3), dbSNP rs149613201, ClinGen allele CA5686658.
Genomic context (GRCh38, chr10:110,126,483, plus strand): 5'-GAACAAAATCGATATGACTTGAAAACAGCAGGACCACAATCTCAGTTGCTTGCTGGAATT[G>A]TTGTGGATAAGCCACCTTCTGTAAGTTTATGAAGTAGTATGATCTTTGTTTTTTATTTAC-3'
Protein context (NP_058432.1, residues 520-540): GPQSQLLAGI[Val530Ile]VDKPPSTMQF